The following is an entry in ClinVar:

ClinVar aggregate classification (germline): Uncertain significance. Review status: criteria provided, multiple submitters, no conflicts (2 of 4 stars). 2 submissions from 2 submitters: Uncertain significance (2). Last evaluated 2025-12-30.

Conditions:
Inborn genetic diseases. Identifiers: MedGen C0950123, MeSH D030342.
Tatton-Brown-Rahman overgrowth syndrome. Also called: Tall stature-intellectual disability-facial dysmorphism syndrome; Tatton-Brown-Rahman syndrome. Identifiers: Orphanet 404443, MedGen C4014545, MONDO:0014382, OMIM 615879.

Submissions (2):

Labcorp Genetics (formerly Invitae), Labcorp
Classification: Uncertain significance for Tatton-Brown-Rahman overgrowth syndrome. Last evaluated: 2025-12-30. Review status: criteria provided, single submitter. Criteria: Invitae Variant Classification Sherloc (09022015). Collection method: clinical testing. Allele origin: germline.
Comment: This sequence change replaces glutamic acid, which is acidic and polar, with alanine, which is neutral and non-polar, at codon 469 of the DNMT3A protein (p.Glu469Ala). This variant is not present in population databases (gnomAD no frequency). This variant has not been reported in the literature in individuals affected with DNMT3A-related conditions. ClinVar contains an entry for this variant (Variation ID: 3841756). Invitae Evidence Modeling of protein sequence and biophysical properties (such as structural, functional, and spatial information, amino acid conservation, physicochemical variation, residue mobility, and thermodynamic stability) indicates that this missense variant is not expected to disrupt DNMT3A protein function with a negative predictive value of 95%. In summary, the available evidence is currently insufficient to determine the role of this variant in disease. Therefore, it has been classified as a Variant of Uncertain Significance.

Ambry Genetics
Classification: Uncertain significance for Inborn genetic diseases. Last evaluated: 2025-01-05. Review status: criteria provided, single submitter. Criteria: Ambry Variant Classification Scheme 2023. Collection method: clinical testing. Allele origin: germline.
Comment: The p.E469A variant (also known as c.1406A>C), located in coding exon 10 of the DNMT3A gene, results from an A to C substitution at nucleotide position 1406. The glutamic acid at codon 469 is replaced by alanine, an amino acid with dissimilar properties. This amino acid position is conserved. In addition, the in silico prediction for this alteration is inconclusive. Based on the available evidence, the clinical significance of this variant remains unclear.

NM_022552.5(DNMT3A):c.1406A>C (p.Glu469Ala)

Gene: DNMT3A (DNA methyltransferase 3 alpha; minus strand). Cytogenetic location: 2p23.3.
Variant type: single nucleotide variant.
Coding change: c.1406A>C on transcript NM_022552.5 (MANE Select); coding-DNA position 1406, A replaced by C.
Protein change: p.Glu469Ala; replaces glutamic acid 469 with alanine.
Molecular consequence: missense variant. On other transcripts: non-coding transcript variant (1).
Genome position (GRCh38, 1-based): chr2:25,246,183, T>G on the plus strand (A>C on the coding strand, the complement: DNMT3A is on the minus strand). VCF-style: chr2-25246183-T-G. GRCh37 (hg19) VCF-style: chr2-25469052-T-G.
Other names: c.950A>C, p.Glu317Ala (NM_001320893.1); c.737A>C, p.Glu246Ala (NM_001375819.1); c.839A>C, p.Glu280Ala (NM_153759.3); c.1406A>C, p.Glu469Ala (NM_175629.2); short protein forms E317A, E280A, E246A, E469A.
Identifiers: ClinVar variation 3841756 (VCV003841756.2).
Genomic context (GRCh38, chr2:25,246,183, plus strand): 5'-CTCCTGGTGCCACCCTCTCCAGAAGCAGGCCAACTACCTCTTGTGCGCTCATCAATAATC[T>G]CCTTGACCTTGGGCTTCTCCGCTGTGCTCTTCCGGGGCTTTTTGGCTGGTGGAGGTGGTG-3'
Protein context (NP_072046.2, residues 459-479): KSTAEKPKVK[Glu469Ala]IIDERTRERL